The following is an entry in ClinVar:

ClinVar aggregate classification (germline): Uncertain significance (1 of 4 stars; one submission).

gnomAD v4.1: 71 of 1,609,056 alleles (0.0044%); highest among the groups gnomAD compares: Admixed American, 0.067%; no homozygotes.

Submission:

GeneDx
Classification: Uncertain significance. Last evaluated: 2025-01-24. Review status: criteria provided, single submitter. Criteria: GeneDx Variant Classification Process June 2021. Collection method: clinical testing. Allele origin: germline. Affected: yes.
Comment: In silico analysis indicates that this missense variant does not alter protein structure/function; Has not been previously published as pathogenic or benign to our knowledge

NM_001606.5(ABCA2):c.4084C>T (p.Arg1362Trp)

Gene: ABCA2 (ATP binding cassette subfamily A member 2; minus strand). Cytogenetic location: 9q34.3.
Variant type: single nucleotide variant.
Coding change: c.4084C>T on transcript NM_001606.5 (MANE Select); coding-DNA position 4084, C replaced by T.
Protein change: p.Arg1362Trp; replaces arginine 1362 with tryptophan.
Molecular consequence: missense variant.
Genome position (GRCh38, 1-based): chr9:137,014,324, G>A on the plus strand (C>T on the coding strand, the complement: ABCA2 is on the minus strand). VCF-style: chr9-137014324-G-A. GRCh37 (hg19) VCF-style: chr9-139908776-G-A.
Other names: c.4081C>T, p.Arg1361Trp (NM_001411042.1); c.4174C>T, p.Arg1392Trp (NM_212533.3); short protein forms R1361W, R1362W, R1392W.
Identifiers: ClinVar variation 4071701 (VCV004071701.1).